The following is an entry in ClinVar:

ClinVar aggregate classification (germline): Uncertain significance (1 of 4 stars; one submission).

Conditions:
L-2-hydroxyglutaric aciduria (L2HGA). Identifiers: Orphanet 79314, MedGen C1855995, MONDO:0009370, OMIM 236792, HP:0040144.

Allele frequency attached by ClinVar (database versions not stated): gnomAD exomes below 0.00001; TOPMed 0.00001.
gnomAD v4.1: 4 of 1,614,036 alleles (0.00025%); highest among the groups gnomAD compares: Admixed American, 0.0017%; no homozygotes.

Submission:

Labcorp Genetics (formerly Invitae), Labcorp
Classification: Uncertain significance for L-2-hydroxyglutaric aciduria. Last evaluated: 2024-10-15. Review status: criteria provided, single submitter. Criteria: Invitae Variant Classification Sherloc (09022015). Collection method: clinical testing. Allele origin: germline.
Comment: This sequence change affects codon 86 of the L2HGDH mRNA. It is a 'silent' change, meaning that it does not change the encoded amino acid sequence of the L2HGDH protein. This variant is not present in population databases (gnomAD no frequency). This variant has not been reported in the literature in individuals affected with L2HGDH-related conditions. ClinVar contains an entry for this variant (Variation ID: 1360289). Algorithms developed to predict the effect of sequence changes on RNA splicing suggest that this variant may create or strengthen a splice site. In summary, the available evidence is currently insufficient to determine the role of this variant in disease. Therefore, it has been classified as a Variant of Uncertain Significance.

NM_024884.3(L2HGDH):c.258T>A (p.Ala86=)

Gene: L2HGDH (L-2-hydroxyglutarate dehydrogenase; minus strand). Cytogenetic location: 14q21.3.
Variant type: single nucleotide variant.
Coding change: c.258T>A on transcript NM_024884.3 (MANE Select); coding-DNA position 258, T replaced by A.
Protein change: p.Ala86=; no amino-acid change (alanine 86 retained).
Molecular consequence: synonymous variant.
Genome position (GRCh38, 1-based): chr14:50,302,167, A>T on the plus strand (T>A on the coding strand, the complement: L2HGDH is on the minus strand). VCF-style: chr14-50302167-A-T. GRCh37 (hg19) VCF-style: chr14-50768885-A-T.
Identifiers: ClinVar variation 1360289 (VCV001360289.6), dbSNP rs1020944884, ClinGen allele CA260759852.